The following is an entry in ClinVar:

ClinVar aggregate classification (germline): Uncertain significance (1 of 4 stars; one submission).

Conditions:
Early-infantile DEE. Also called: Early infantile epileptic encephalopathy; Ohtahara syndrome; Early infantile epileptic encephalopathy with suppression bursts. Identifiers: Orphanet 1934, MedGen C0393706, MONDO:0800491.

Submission:

Labcorp Genetics (formerly Invitae), Labcorp
Classification: Uncertain significance for Early-infantile DEE. Last evaluated: 2021-03-05. Review status: criteria provided, single submitter. Criteria: Invitae Variant Classification Sherloc (09022015). Collection method: clinical testing. Allele origin: germline.
Comment: In summary, the available evidence is currently insufficient to determine the role of this variant in disease. Therefore, it has been classified as a Variant of Uncertain Significance. Algorithms developed to predict the effect of missense changes on protein structure and function are either unavailable or do not agree on the potential impact of this missense change (SIFT: "Deleterious"; PolyPhen-2: "Benign"; Align-GVGD: "Class C0"). This variant has not been reported in the literature in individuals with SCN8A-related conditions. This variant is not present in population databases (ExAC no frequency). This sequence change replaces methionine with isoleucine at codon 1536 of the SCN8A protein (p.Met1536Ile). The methionine residue is highly conserved and there is a small physicochemical difference between methionine and isoleucine.

NM_001330260.2(SCN8A):c.4608G>C (p.Met1536Ile)

Gene: SCN8A (sodium voltage-gated channel alpha subunit 8; plus strand). Cytogenetic location: 12q13.13.
Variant type: single nucleotide variant.
Coding change: c.4608G>C on transcript NM_001330260.2 (MANE Select); coding-DNA position 4608, G replaced by C.
Protein change: p.Met1536Ile; replaces methionine 1536 with isoleucine.
Molecular consequence: missense variant.
Genome position (GRCh38, 1-based): chr12:51,794,454, G>C. VCF-style: chr12-51794454-G-C. GRCh37 (hg19) VCF-style: chr12-52188238-G-C.
Other names: c.4485G>C, p.Met1495Ile (NM_001177984.3, NM_001369788.1); c.4608G>C, p.Met1536Ile (NM_014191.4); short protein forms M1536I, M1495I.
Identifiers: ClinVar variation 955268 (VCV000955268.10), dbSNP rs1938352290, ClinGen allele CA384878841.